The following is an entry in ClinVar:

NM_001177316.2(SLC34A3):c.1058G>T (p.Arg353Leu)

Gene: SLC34A3 (solute carrier family 34 member 3; plus strand). Cytogenetic location: 9q34.3.
Variant type: single nucleotide variant.
Coding change: c.1058G>T on transcript NM_001177316.2 (MANE Select); coding-DNA position 1058, G replaced by T.
Protein change: p.Arg353Leu; replaces arginine 353 with leucine.
Molecular consequence: missense variant.
Genome position (GRCh38, 1-based): chr9:137,234,241, G>T. VCF-style: chr9-137234241-G-T. GRCh37 (hg19) VCF-style: chr9-140128693-G-T.
Other names: c.1058G>T (NM_080877.2); c.1058G>T, p.Arg353Leu (NM_001177317.2, NM_080877.3); short protein forms R353L.
Identifiers: ClinVar variation 1427 (VCV000001427.16), dbSNP rs121918234, ClinGen allele CA115008.
Genomic context (GRCh38, chr9:137,234,241, plus strand): 5'-TGGTGCTCTGCGGCTGCCTGGTCCTCATAGTCAAGCTGCTCAACTCTGTGCTGCGCGGCC[G>T]CGTGGCCCAGGTCGTGAGGACAGTCATCAATGCGGGTGAGGGCGTGGGAGGAGGTGCGGT-3'
Protein context (NP_001170787.2, residues 343-363): VKLLNSVLRG[Arg353Leu]VAQVVRTVIN

ClinVar aggregate classification (germline): Conflicting classifications of pathogenicity. Review status: criteria provided, conflicting classifications (1 of 4 stars). 9 submissions from 9 submitters: Pathogenic (3); Likely pathogenic (3); Uncertain significance (2). 1 of the submissions does not count toward it. Last evaluated 2026-01-19.

Conditions:
SLC34A3-related disorder. Also called: SLC34A3-related condition.
Autosomal recessive hypophosphatemic bone disease (HHRH). Also called: Hypophosphatemic rickets with hypercalciuria; HYPERCALCIURIC RICKETS. Identifiers: Orphanet 157215, MedGen C1853271, MONDO:0009431, OMIM 241530.

Allele frequency attached by ClinVar (database versions not stated): TOPMed 0.00002.
gnomAD v4.1: 24 of 1,610,260 alleles (0.0015%); highest among the groups gnomAD compares: Middle Eastern, 0.016%; no homozygotes.

Submissions (9):

Labcorp Genetics (formerly Invitae), Labcorp
Classification: Likely pathogenic. Last evaluated: 2026-01-19. Review status: criteria provided, single submitter. Criteria: Invitae Variant Classification Sherloc (09022015). Collection method: clinical testing. Allele origin: germline.
Comment: This sequence change replaces arginine, which is basic and polar, with leucine, which is neutral and non-polar, at codon 353 of the SLC34A3 protein (p.Arg353Leu). This variant is present in population databases (rs121918234, gnomAD 0.004%). This missense change has been observed in individual(s) with clinical features of SLC34A3-related conditions and/or hypophosphatemic rickets (PMID: 16358215, 34805638, 37680384; internal data). It has also been observed to segregate with disease in related individuals. ClinVar contains an entry for this variant (Variation ID: 1427). Invitae Evidence Modeling of protein sequence and biophysical properties (such as structural, functional, and spatial information, amino acid conservation, physicochemical variation, residue mobility, and thermodynamic stability) indicates that this missense variant is not expected to disrupt SLC34A3 protein function with a negative predictive value of 80%. In summary, the currently available evidence indicates that the variant is pathogenic, but additional data are needed to prove that conclusively. Therefore, this variant has been classified as Likely Pathogenic.

Rare Kidney Stone Consortium and the Mayo Clinic Hyperoxaluria Center, Mayo Clinic
Classification: Pathogenic for Autosomal recessive hypophosphatemic bone disease. Last evaluated: 2025-10-03. Review status: criteria provided, single submitter. Criteria: ACMG Guidelines, 2015. Collection method: research. Allele origin: germline. Affected: yes. Observed: 1 variant allele.

Dasa
Classification: Uncertain significance. Last evaluated: 2025-05-30. Review status: criteria provided, single submitter. Criteria: DASA Assertion Criteria. Collection method: clinical testing. Allele origin: germline.
Comment: NM_001177316.2(SLC34A3):c.1058G>T (p.Arg353Leu) is a missense variant that results in the substitution of arginine with leucine. This variant has been observed in affected individuals with SLC34A3-related disorders. Also, this variant is rare in population databases. The currently available literature and clinical evidence are not sufficient to establish a definitive association between this variant and the reported condition. Therefore, this variant is classified as a variant of uncertain significance.

MVZ Medizinische Genetik Mainz
Classification: Likely pathogenic for Autosomal recessive hypophosphatemic bone disease. Last evaluated: 2025-02-24. Review status: criteria provided, single submitter. Criteria: UK Practice Guidelines For Variant Classification V4 01 2020. Collection method: clinical testing. Allele origin: germline. Inheritance: Autosomal recessive inheritance. Affected: yes. Observed: 1 variant allele.
Comment: ACMG Criteria: PM3_STR,PM2_SUP,PP4; Compound Heterozygote

Blueprint Genetics
Classification: Likely pathogenic for SLC34A3-related disorders. Last evaluated: 2024-02-20. Review status: criteria provided, single submitter. Criteria: ACMG Guidelines, 2015. Collection method: clinical testing. Allele origin: germline. Affected: yes. Observed: 5 variant alleles.

Fulgent Genetics
Classification: Uncertain significance for Autosomal recessive hypophosphatemic bone disease. Last evaluated: 2024-01-20. Review status: criteria provided, single submitter. Criteria: ACMG Guidelines, 2015. Collection method: clinical testing. Allele origin: germline.

Mendelics
Classification: Pathogenic for Autosomal recessive hypophosphatemic bone disease. Last evaluated: 2022-05-04. Review status: criteria provided, single submitter. Criteria: Mendelics Assertion Criteria 2019. Collection method: clinical testing. Allele origin: germline.

Institute of Human Genetics Munich, TUM University Hospital
Classification: Pathogenic for Autosomal recessive hypophosphatemic bone disease. Last evaluated: 2017-10-04. Review status: criteria provided, single submitter. Criteria: Classification criteria August 2017. Collection method: clinical testing. Allele origin: inherited. Inheritance: Autosomal recessive inheritance. Affected: yes. Observed: 2 homozygotes.

OMIM
Classification: Pathogenic for HYPOPHOSPHATEMIC RICKETS WITH HYPERCALCIURIA, HEREDITARY. Last evaluated: 2006-02-01. Review status: no assertion criteria provided. Collection method: literature only. Allele origin: germline. Not counted in ClinVar's aggregate classification.

Literature cited by the submitters: PubMed 16358215 (cited by 3 submitters); PubMed 34805638 (cited by Labcorp Genetics (formerly Invitae), Labcorp); PubMed 37680384 (cited by Labcorp Genetics (formerly Invitae), Labcorp); PubMed 40794449 (cited by Rare Kidney Stone Consortium and the Mayo Clinic Hyperoxaluria Center, Mayo Clinic).